The following is an entry in ClinVar:

NM_014055.4(IFT81):c.2022A>G (p.Leu674=)

Gene: IFT81 (intraflagellar transport 81; plus strand). Cytogenetic location: 12q24.11.
Variant type: single nucleotide variant.
Coding change: c.2022A>G on transcript NM_014055.4 (MANE Select); coding-DNA position 2022, A replaced by G.
Protein change: p.Leu674=; no amino-acid change (leucine 674 retained).
Molecular consequence: synonymous variant. On other transcripts: non-coding transcript variant (4).
Genome position (GRCh38, 1-based): chr12:110,218,217, A>G. VCF-style: chr12-110218217-A-G. GRCh37 (hg19) VCF-style: chr12-110656022-A-G.
Other names: c.2022A>G, p.Leu674= (NM_001143779.2); c.1092A>G, p.Leu364= (NM_001347947.2, NM_001347948.2); c.2022A>G (NM_014055.3).
Identifiers: ClinVar variation 1639822 (VCV001639822.10), dbSNP rs201241877, ClinGen allele CA6783552.

ClinVar aggregate classification (germline): Likely benign. Review status: criteria provided, single submitter (1 of 4 stars). 2 submissions from 2 submitters: Likely benign (1). 1 of the submissions does not count toward it. Last evaluated 2025-06-12.

Conditions:
IFT81-related disorder. Also called: IFT81-related condition.

Allele frequency attached by ClinVar (database versions not stated): gnomAD 0.00002; TOPMed 0.00003.
gnomAD v4.1: 45 of 1,533,552 alleles (0.0029%); highest among the groups gnomAD compares: South Asian, 0.031%; 1 homozygote.

Submissions (2):

Labcorp Genetics (formerly Invitae), Labcorp
Classification: Likely benign. Last evaluated: 2025-06-12. Review status: criteria provided, single submitter. Criteria: Invitae Variant Classification Sherloc (09022015). Collection method: clinical testing. Allele origin: germline.

PreventionGenetics, part of Exact Sciences
Classification: Likely benign for IFT81-related condition. Last evaluated: 2019-03-25. Review status: no assertion criteria provided. Collection method: clinical testing. Allele origin: germline. Not counted in ClinVar's aggregate classification.
Comment: This variant is classified as likely benign based on ACMG/AMP sequence variant interpretation guidelines (Richards et al. 2015 PMID: 25741868, with internal and published modifications).